The following is an entry in ClinVar:

ClinVar aggregate classification (germline): Uncertain significance (1 of 4 stars; one submission).

Submission:

Labcorp Genetics (formerly Invitae), Labcorp
Classification: Uncertain significance. Last evaluated: 2025-03-31. Review status: criteria provided, single submitter. Criteria: Invitae Variant Classification Sherloc (09022015). Collection method: clinical testing. Allele origin: germline.
Comment: This sequence change replaces isoleucine, which is neutral and non-polar, with methionine, which is neutral and non-polar, at codon 270 of the STIL protein (p.Ile270Met). This variant is not present in population databases (gnomAD no frequency). This variant has not been reported in the literature in individuals affected with STIL-related conditions. ClinVar contains an entry for this variant (Variation ID: 1467943). Invitae Evidence Modeling of protein sequence and biophysical properties (such as structural, functional, and spatial information, amino acid conservation, physicochemical variation, residue mobility, and thermodynamic stability) indicates that this missense variant is expected to disrupt STIL protein function with a positive predictive value of 80%. In summary, the available evidence is currently insufficient to determine the role of this variant in disease. Therefore, it has been classified as a Variant of Uncertain Significance.

NM_001048166.1(STIL):c.810C>G (p.Ile270Met)

Gene: STIL (STIL centriolar assembly protein; minus strand). Cytogenetic location: 1p33.
Variant type: single nucleotide variant.
Coding change: c.810C>G on transcript NM_001048166.1 (MANE Select); coding-DNA position 810, C replaced by G.
Protein change: p.Ile270Met; replaces isoleucine 270 with methionine.
Molecular consequence: missense variant.
Genome position (GRCh38, 1-based): chr1:47,293,520, G>C on the plus strand (C>G on the coding strand, the complement: STIL is on the minus strand). VCF-style: chr1-47293520-G-C. GRCh37 (hg19) VCF-style: chr1-47759192-G-C.
Other names: c.810C>G, p.Ile270Met (NM_001282936.1, NM_001282937.1, NM_003035.2); c.669C>G, p.Ile223Met (NM_001282938.1, NM_001282939.1, NM_001377417.1); short protein forms I223M, I270M.
Identifiers: ClinVar variation 1467943 (VCV001467943.8), dbSNP rs2149111347, ClinGen allele CA340251574.